The following is an entry in ClinVar:

ClinVar aggregate classification (germline): Uncertain significance (1 of 4 stars; one submission).

Submission:

Ambry Genetics
Classification: Uncertain significance. Last evaluated: 2025-04-18. Review status: criteria provided, single submitter. Criteria: Ambry Variant Classification Scheme 2023. Collection method: clinical testing. Allele origin: germline.
Comment: The p.S245P variant (also known as c.733T>C), located in coding exon 6 of the GEN1 gene, results from a T to C substitution at nucleotide position 733. The serine at codon 245 is replaced by proline, an amino acid with similar properties. This amino acid position is conserved. In addition, this alteration is predicted to be tolerated by in silico analysis. Based on the available evidence, the clinical significance of this variant remains unclear.

NM_001130009.3(GEN1):c.733T>C (p.Ser245Pro)

Gene: GEN1 (GEN1 Holliday junction 5' flap endonuclease; plus strand). Cytogenetic location: 2p24.2.
Variant type: single nucleotide variant.
Coding change: c.733T>C on transcript NM_001130009.3 (MANE Select); coding-DNA position 733, T replaced by C.
Protein change: p.Ser245Pro; replaces serine 245 with proline.
Molecular consequence: missense variant.
Genome position (GRCh38, 1-based): chr2:17,771,218, T>C. VCF-style: chr2-17771218-T-C. GRCh37 (hg19) VCF-style: chr2-17952485-T-C.
Other names: c.733T>C, p.Ser245Pro (NM_182625.5); short protein forms S245P.
Identifiers: ClinVar variation 4029239 (VCV004029239.1).
Genomic context (GRCh38, chr2:17,771,218, plus strand): 5'-TTTTTTTTCCTTTTTTTAAAAACCACTTTCTATTAAAGGTTTAATCGGTGGAATGAAACA[T>C]CTTGTAACTCTAGTCCACAACTGCTAGTCACTAAAAAACTGGCTCATTGTTCCGTATGTT-3'
Protein context (NP_001123481.3, residues 235-255): LQRFNRWNET[Ser245Pro]CNSSPQLLVT